The following is an entry in ClinVar:

NM_001105206.3(LAMA4):c.153C>A (p.Ser51Arg)

Genes: LAMA4 (laminin subunit alpha 4; minus strand), LAMA4-AS1 (LAMA4 antisense RNA 1; plus strand). Cytogenetic location: 6q21.
Variant type: single nucleotide variant.
Coding change: c.153C>A on transcript NM_001105206.3 (MANE Select); coding-DNA position 153, C replaced by A.
Protein change: p.Ser51Arg; replaces serine 51 with arginine.
Molecular consequence: missense variant.
Genome position (GRCh38, 1-based): chr6:112,253,998, G>T on the plus strand (C>A on the coding strand, the complement: LAMA4 is on the minus strand). VCF-style: chr6-112253998-G-T. GRCh37 (hg19) VCF-style: chr6-112575200-G-T.
Other names: c.153C>A, p.Ser51Arg (NM_001105207.3, NM_001105208.3, NM_001105209.3 and 1 more transcripts); c.153C>A (NM_002290.3); short protein forms S51R.
Identifiers: ClinVar variation 406145 (VCV000406145.12), dbSNP rs782192817, ClinGen allele CA3966328.

ClinVar aggregate classification (germline): Uncertain significance. Review status: criteria provided, multiple submitters, no conflicts (2 of 4 stars). 4 submissions from 4 submitters: Uncertain significance (4). Last evaluated 2025-07-09.

Conditions:
Dilated cardiomyopathy 1JJ (CMD1JJ). Identifiers: Orphanet 154, MedGen C3808935, MONDO:0014095, OMIM 615235.
Cardiovascular phenotype. Identifiers: MedGen CN230736.

Allele frequency attached by ClinVar (database versions not stated): gnomAD 0.00001; ExAC 0.00002; gnomAD exomes 0.00002; TOPMed 0.00002.
gnomAD v4.1: 23 of 1,586,076 alleles (0.0015%); highest among the groups gnomAD compares: Admixed American, 0.0073%; no homozygotes.

Submissions (4):

Labcorp Genetics (formerly Invitae), Labcorp
Classification: Uncertain significance for Dilated cardiomyopathy 1JJ. Last evaluated: 2025-07-09. Review status: criteria provided, single submitter. Criteria: Invitae Variant Classification Sherloc (09022015). Collection method: clinical testing. Allele origin: germline.
Comment: This sequence change replaces serine, which is neutral and polar, with arginine, which is basic and polar, at codon 51 of the LAMA4 protein (p.Ser51Arg). The frequency data for this variant in the population databases is considered unreliable, as metrics indicate poor data quality at this position in the gnomAD database. This variant has not been reported in the literature in individuals affected with LAMA4-related conditions. ClinVar contains an entry for this variant (Variation ID: 406145). An algorithm developed to predict the effect of missense changes on protein structure and function outputs the following: PolyPhen-2: "Benign". The arginine amino acid residue is found in multiple mammalian species, which suggests that this missense change does not adversely affect protein function. In summary, the available evidence is currently insufficient to determine the role of this variant in disease. Therefore, it has been classified as a Variant of Uncertain Significance.

Women's Health and Genetics/Laboratory Corporation of America, LabCorp
Classification: Uncertain significance. Last evaluated: 2023-10-11. Review status: criteria provided, single submitter. Criteria: LabCorp Variant Classification Summary - May 2015. Collection method: clinical testing. Allele origin: germline.
Comment: Variant summary: LAMA4 c.153C>A (p.Ser51Arg) results in a non-conservative amino acid change in the encoded protein sequence. Three of four in-silico tools predict a benign effect of the variant on protein function. The variant allele was found at a frequency of 1.5e-05 in 198640 control chromosomes. The available data on variant occurrences in the general population are insufficient to allow any conclusion about variant significance. To our knowledge, no occurrence of c.153C>A in individuals affected with Cardiomyopathy and no experimental evidence demonstrating its impact on protein function have been reported. Two submitters have cited clinical-significance assessments for this variant to ClinVar after 2014. All submitters classified the variant as uncertain significance. Based on the evidence outlined above, the variant was classified as uncertain significance.

Ambry Genetics
Classification: Uncertain significance for Cardiovascular phenotype. Last evaluated: 2023-07-30. Review status: criteria provided, single submitter. Criteria: Ambry Variant Classification Scheme 2023. Collection method: clinical testing. Allele origin: germline.
Comment: The p.S51R variant (also known as c.153C>A), located in coding exon 1 of the LAMA4 gene, results from a C to A substitution at nucleotide position 153. The serine at codon 51 is replaced by arginine, an amino acid with dissimilar properties. This amino acid position is conserved. In addition, this alteration is predicted to be tolerated by in silico analysis. Since supporting evidence is limited at this time, the clinical significance of this alteration remains unclear.

Fulgent Genetics
Classification: Uncertain significance for Dilated cardiomyopathy 1JJ. Last evaluated: 2021-08-09. Review status: criteria provided, single submitter. Criteria: ACMG Guidelines, 2015. Collection method: clinical testing. Allele origin: unknown.